The following is an entry in ClinVar:

NM_000350.3(ABCA4):c.2265C>G (p.Phe755Leu)

Gene: ABCA4 (ATP binding cassette subfamily A member 4; minus strand). Cytogenetic location: 1p22.1.
Variant type: single nucleotide variant.
Coding change: c.2265C>G on transcript NM_000350.3 (MANE Select); coding-DNA position 2265, C replaced by G.
Protein change: p.Phe755Leu; replaces phenylalanine 755 with leucine.
Molecular consequence: missense variant.
Genome position (GRCh38, 1-based): chr1:94,056,718, G>C on the plus strand (C>G on the coding strand, the complement: ABCA4 is on the minus strand). VCF-style: chr1-94056718-G-C. GRCh37 (hg19) VCF-style: chr1-94522274-G-C.
Other names: short protein forms F755L.
Identifiers: ClinVar variation 2910118 (VCV002910118.3), dbSNP rs1660993544, ClinGen allele CA341277893.
Genomic context (GRCh38, chr1:94,056,718, plus strand): 5'-TGGCAGGTAGAGGGTGAAATAGATGACACCACTACAGGCTGCTGCCAGACTGGCCTTGGA[G>C]AAGAAGGTGCTGAGCAGAAAGCACAGCATGATGGTGGCAGTGGAGAAAGCCAACAAGAAC-3'
Protein context (NP_000341.2, residues 745-765): IMLCFLLSTF[Phe755Leu]SKASLAAACS

ClinVar aggregate classification (germline): Pathogenic (1 of 4 stars; one submission).

Submission:

Labcorp Genetics (formerly Invitae), Labcorp
Classification: Pathogenic. Last evaluated: 2023-12-18. Review status: criteria provided, single submitter. Criteria: Invitae Variant Classification Sherloc (09022015). Collection method: clinical testing. Allele origin: germline.
Comment: This sequence change replaces phenylalanine, which is neutral and non-polar, with leucine, which is neutral and non-polar, at codon 755 of the ABCA4 protein (p.Phe755Leu). This variant is not present in population databases (gnomAD no frequency). This missense change has been observed in individual(s) with Stargardt disease (PMID: 28559085). Advanced modeling of protein sequence and biophysical properties (such as structural, functional, and spatial information, amino acid conservation, physicochemical variation, residue mobility, and thermodynamic stability) performed at Invitae indicates that this missense variant is expected to disrupt ABCA4 protein function with a positive predictive value of 95%. For these reasons, this variant has been classified as Pathogenic.

Literature cited by the submitters: PubMed 28559085.